The following is an entry in ClinVar:

NM_007294.4(BRCA1):c.1094G>T (p.Arg365Ile)

Gene: BRCA1 (BRCA1 DNA repair associated; minus strand). Cytogenetic location: 17q21.31.
Variant type: single nucleotide variant.
Coding change: c.1094G>T on transcript NM_007294.4 (MANE Select); coding-DNA position 1094, G replaced by T.
Protein change: p.Arg365Ile; replaces arginine 365 with isoleucine.
Molecular consequence: missense variant. On other transcripts: intron variant (137).
Genome position (GRCh38, 1-based): chr17:43,094,437, C>A on the plus strand (G>T on the coding strand, the complement: BRCA1 is on the minus strand). VCF-style: chr17-43094437-C-A. GRCh37 (hg19) VCF-style: chr17-41246454-C-A.
Other names: c.881G>T, p.Arg294Ile (NM_001407917.1, NM_001407918.1, NM_001407571.1 and 9 more transcripts); c.1094G>T, p.Arg365Ile (NM_001407581.1, NM_001407582.1, NM_001407583.1 and 30 more transcripts); c.971G>T, p.Arg324Ile (NM_001407919.1, NM_001407937.1, NM_001407938.1 and 19 more transcripts); c.830G>T, p.Arg277Ile (NM_001407920.1, NM_001407921.1, NM_001407922.1 and 9 more transcripts); c.1091G>T, p.Arg364Ile (NM_001407587.1, NM_001407590.1, NM_001407591.1 and 22 more transcripts); c.827G>T, p.Arg276Ile (NM_001407930.1, NM_001407931.1, NM_001407932.1 and 2 more transcripts); c.968G>T, p.Arg323Ile (NM_001407940.1, NM_001407941.1, NM_001407649.1 and 11 more transcripts); c.953G>T, p.Arg318Ile (NM_001407942.1, NM_001407944.1, NM_001407945.1 and 29 more transcripts); and 40 more; short protein forms R365I, R318I, R237I, R253I, R276I, R362I, R364I, R238I.
Identifiers: ClinVar variation 925793 (VCV000925793.10), dbSNP rs2053994698, ClinGen allele CA10599870.

ClinVar aggregate classification (germline): Conflicting classifications of pathogenicity. Review status: criteria provided, conflicting classifications (1 of 4 stars). 4 submissions from 4 submitters: Uncertain significance (3); Likely benign (1). Last evaluated 2023-04-25.

Conditions:
Hereditary cancer-predisposing syndrome. Also called: Neoplastic Syndromes, Hereditary; Tumor predisposition; Hereditary Cancer Syndrome; Hereditary neoplastic syndrome. Identifiers: Orphanet 140162, MedGen C0027672, MeSH D009386, MONDO:0015356.
Hereditary breast ovarian cancer syndrome. Also called: Hereditary breast and ovarian cancer syndrome; BRCA1- and BRCA2-Associated Hereditary Breast and Ovarian Cancer; Hereditary breast and ovarian cancer; Hereditary breast and ovarian cancer syndrome (HBOC); Breast and ovarian cancer; Hereditary breast and/or ovarian cancer syndrome. Identifiers: Orphanet 145, MedGen C0677776, MeSH D061325, MONDO:0003582. Disease mechanism: loss of function.

Submissions (4):

Labcorp Genetics (formerly Invitae), Labcorp
Classification: Uncertain significance for Hereditary breast ovarian cancer syndrome. Last evaluated: 2023-04-25. Review status: criteria provided, single submitter. Criteria: Invitae Variant Classification Sherloc (09022015). Collection method: clinical testing. Allele origin: germline.
Comment: In summary, the available evidence is currently insufficient to determine the role of this variant in disease. Therefore, it has been classified as a Variant of Uncertain Significance. Advanced modeling of protein sequence and biophysical properties (such as structural, functional, and spatial information, amino acid conservation, physicochemical variation, residue mobility, and thermodynamic stability) performed at Invitae indicates that this missense variant is not expected to disrupt BRCA1 protein function. ClinVar contains an entry for this variant (Variation ID: 925793). This variant has not been reported in the literature in individuals affected with BRCA1-related conditions. This variant is not present in population databases (gnomAD no frequency). This sequence change replaces arginine, which is basic and polar, with isoleucine, which is neutral and non-polar, at codon 365 of the BRCA1 protein (p.Arg365Ile).

University of Washington Department of Laboratory Medicine, University of Washington
Classification: Likely benign for Hereditary cancer-predisposing syndrome. Last evaluated: 2023-03-23. Review status: criteria provided, single submitter. Criteria: Dines et al. (Genet Med. 2020). Collection method: curation. Allele origin: germline.
Comment: Missense variant in a coldspot region where missense variants are very unlikely to be pathogenic (PMID:31911673).

BRCA1 coldspot (exon 11 using historical exon numbering). Reclassification based on statistical prior probability

Ambry Genetics
Classification: Uncertain significance for Hereditary cancer-predisposing syndrome. Last evaluated: 2020-08-10. Review status: criteria provided, single submitter. Criteria: Ambry Variant Classification Scheme 2023. Collection method: clinical testing. Allele origin: germline.
Comment: The p.R365I variant (also known as c.1094G>T), located in coding exon 9 of the BRCA1 gene, results from a G to T substitution at nucleotide position 1094. The arginine at codon 365 is replaced by isoleucine, an amino acid with similar properties. This amino acid position is not well conserved in available vertebrate species. In addition, the in silico prediction for this alteration is inconclusive. Since supporting evidence is limited at this time, the clinical significance of this alteration remains unclear.

Color Diagnostics, LLC DBA Color Health
Classification: Uncertain significance for Hereditary cancer-predisposing syndrome. Last evaluated: 2019-01-28. Review status: criteria provided, single submitter. Criteria: ACMG Guidelines, 2015. Collection method: clinical testing. Allele origin: germline.